The following is an entry in ClinVar:

NM_014845.6(FIG4):c.2467C>T (p.Gln823Ter)

Gene: FIG4 (FIG4 phosphoinositide 5-phosphatase; plus strand). Cytogenetic location: 6q21.
Variant type: single nucleotide variant.
Coding change: c.2467C>T on transcript NM_014845.6 (MANE Select); coding-DNA position 2467, C replaced by T.
Protein change: p.Gln823Ter; replaces glutamine 823 with a stop codon.
Molecular consequence: nonsense.
Genome position (GRCh38, 1-based): chr6:109,796,772, C>T. VCF-style: chr6-109796772-C-T. GRCh37 (hg19) VCF-style: chr6-110117975-C-T.
Other names: short protein forms Q823*.
Identifiers: ClinVar variation 447336 (VCV000447336.64), dbSNP rs745790694, ClinGen allele CA3956425.

ClinVar aggregate classification (germline): Pathogenic/Likely pathogenic. Review status: criteria provided, multiple submitters, no conflicts (2 of 4 stars). 10 submissions from 10 submitters: Pathogenic (3); Likely pathogenic (5). 2 of the submissions do not count toward it. Last evaluated 2025-11-18.

Conditions:
FIG4-related disorder. Also called: FIG4-related disorders; FIG4-related condition.
Yunis-Varon syndrome (YVS). Also called: Cleidocranial dysplasia, micrognathia, absent thumbs, & distal aphalangia. Identifiers: Orphanet 3472, MedGen C1857663, MONDO:0008995, OMIM 216340.
Charcot-Marie-Tooth disease type 4. Also called: Charcot-Marie-Tooth disease, type IV; Charcot-Marie-Tooth, Type 4. Identifiers: Orphanet 64749, MedGen C4082197, MONDO:0018995.
Charcot-Marie-Tooth disease. Also called: Charcot-Marie-Tooth Neuropathy; Charcot-Marie-Tooth Hereditary Neuropathy. Identifiers: Orphanet 166, MedGen C0007959, MONDO:0015626.
Charcot-Marie-Tooth disease type 4J (CMT4J). Also called: CHARCOT-MARIE-TOOTH DISEASE, DEMYELINATING, TYPE 4J; Charcot-Marie-Tooth Neuropathy Type 4J; CHARCOT-MARIE-TOOTH DISEASE, AUTOSOMAL RECESSIVE, TYPE 4J. Identifiers: Orphanet 139515, MedGen C1970011, MONDO:0012640, OMIM 611228.

Allele frequency attached by ClinVar (database versions not stated): ExAC 0.00001; gnomAD 0.00001; gnomAD exomes 0.00002 and 0.00003.
gnomAD v4.1: 43 of 1,603,914 alleles (0.0027%); highest among the groups gnomAD compares: Non-Finnish European, 0.0035%; no homozygotes.

Submissions (10):

Labcorp Genetics (formerly Invitae), Labcorp
Classification: Pathogenic for Charcot-Marie-Tooth disease type 4. Last evaluated: 2025-11-18. Review status: criteria provided, single submitter. Criteria: Invitae Variant Classification Sherloc (09022015). Collection method: clinical testing. Allele origin: germline.
Comment: This sequence change creates a premature translational stop signal (p.Gln823*) in the FIG4 gene. It is expected to result in an absent or disrupted protein product. Loss-of-function variants in FIG4 are known to be pathogenic (PMID: 23623387, 30740813). This variant is present in population databases (rs745790694, gnomAD 0.005%). This premature translational stop signal has been observed in individual(s) with Charcot-Marie-Tooth disease (PMID: 21705420). ClinVar contains an entry for this variant (Variation ID: 447336). Algorithms developed to predict the effect of sequence changes on RNA splicing suggest that this variant may disrupt the consensus splice site. For these reasons, this variant has been classified as Pathogenic.

GeneDx
Classification: Likely pathogenic. Last evaluated: 2025-07-16. Review status: criteria provided, single submitter. Criteria: GeneDx Variant Classification Process June 2021. Collection method: clinical testing. Allele origin: germline. Affected: yes.
Comment: Reported in an individual tested for Charcot-Marie-Tooth disease, however, detailed clinical data were not described and it was not clear whether this individual harbored biallelic variants (PMID: 21705420); Reported in association with amyotrophic lateral sclerosis, but detailed clinical information and segregation information were not provided (PMID: 35896380); Reported apparently homozygous in a proband with early-onset Alzheimer's disease, but no other clinical information was provided (PMID: 36133075); Nonsense variant predicted to result in protein truncation or nonsense mediated decay in a gene for which loss of function is a known mechanism of disease; Not observed at significant frequency in large population cohorts (gnomAD); This variant is associated with the following publications: (PMID: 25525159, 21705420, 33424531, 37223130, 35896380, 36133075)

Blueprint Genetics
Classification: Likely pathogenic for FIG4-related disorders. Last evaluated: 2024-10-25. Review status: criteria provided, single submitter. Criteria: ACMG Guidelines, 2015. Collection method: clinical testing. Allele origin: germline. Affected: yes. Observed: 5 variant alleles.

CeGaT Center for Human Genetics Tuebingen
Classification: Likely pathogenic. Last evaluated: 2024-02-01. Review status: criteria provided, single submitter. Criteria: CeGaT Center For Human Genetics Tuebingen Variant Classification Criteria Version 2. Collection method: clinical testing. Allele origin: germline. Affected: yes. Observed: 2 variant alleles.
Comment: FIG4: PVS1:Strong, PM2, PS4:Moderate

Women's Health and Genetics/Laboratory Corporation of America, LabCorp
Classification: Pathogenic for Charcot-Marie-Tooth disease type 4J. Last evaluated: 2023-07-26. Review status: criteria provided, single submitter. Criteria: LabCorp Variant Classification Summary - May 2015. Collection method: clinical testing. Allele origin: germline.
Comment: Variant summary: FIG4 c.2467C>T (p.Gln823X), located in the penultimate exon, results in a premature termination codon, predicted to cause an absence of the protein due to nonsense mediated decay, which is a commonly known mechanism for disease. The variant allele was found at a frequency of 2.4e-05 in 251420 control chromosomes. c.2467C>T has been reported in the literature as a heterozygous genotype in an individual reportedly affected with CharcotMarieTooth disease type 4J (CMT4J) as part of a referral laboratory cohort (Nicholson_2011); as a heterozygous variant classified as a variant of uncertain clinical significance (VUS) in an individual Frontotemporal Dementia and slowly progressive motor neuron disease (Gertud Bergner_2020); and as a homozygous genotype in an individual within a cohort with early onset Alzheimer's disease (EOAD) (Bartoletti Stella_2022). To our knowledge, no experimental evidence demonstrating an impact on protein function has been reported. The following publications have been ascertained in the context of this evaluation (PMID: 36133075, 33424531, 21705420). The Clingen panel reports the the FIG4 gene as definitively associated with autosomal recessive Charcot-Marie Tooth while concluding on a limited association with autosomal dominant Amyotrophic Lateral Sclerosis spectrum of disorders. Six submitters have cited clinical-significance assessments for this variant to ClinVar after 2014, classifying the variant as pathogenic (n=2) or likely pathogenic (n=4). Based on the evidence outlined above, the variant was classified as pathogenic.

Centre for Mendelian Genomics, University Medical Centre Ljubljana
Classification: Pathogenic for Yunis-Varon syndrome. Last evaluated: 2020-04-02. Review status: criteria provided, single submitter. Criteria: ACMG Guidelines, 2015. Collection method: clinical testing. Allele origin: unknown. Affected: yes.
Comment: This variant was classified as: Pathogenic. The following ACMG criteria were applied in classifying this variant: PVS1,PS4_Mod,PM2.

Laboratory for Molecular Medicine, Mass General Brigham Personalized Medicine
Classification: Likely pathogenic for Charcot-Marie-Tooth disease, type 4J. Last evaluated: 2018-06-15. Review status: criteria provided, single submitter. Criteria: LMM Criteria. Collection method: clinical testing. Allele origin: germline. Inheritance: Autosomal recessive inheritance. Observed: 1 variant allele.
Comment: The p.Gln823X variant in FIG4 has been reported in 1 individual with a suspicion of Charcot-Marie-Tooth (CMT; Nicholson 2011) and in ClinVar (Variation ID: 4473 36). This variant has been identified in 6/126658 European chromosomes by the Ge nome Aggregation Database (gnomAD; dbSNP rs745 790694). This nonsense variant leads to a premature termination codon at positio n 823, which is predicted to lead to a truncated or absent protein. CMT Type 4J is caused by biallelic compound heterozygous pathogenic variants in FIG4, most c ommonly when one is a missense variant and the other a loss-of-function variant (Nicholson 2011). Biallelic pathogenic variants that cause complete loss of FIG4 function is associated with Yunis-Varon syndrome (YVS) (Campeau 2013). In summa ry, although additional studies are required to fully establish its clinical sig nificance, this variant is likely pathogenic. ACMG/AMP Criteria applied: PVS1_Ve ryStrong; PM2.

Athena Diagnostics
Classification: Likely pathogenic. Last evaluated: 2017-07-11. Review status: criteria provided, single submitter. Criteria: Athena Diagnostics Criteria. Collection method: clinical testing. Allele origin: germline.

Inherited Neuropathy Consortium Ii, University Of Miami
Classification: Uncertain significance for Charcot-Marie-Tooth disease type 4J. Last evaluated: 2016-01-06. Review status: no assertion criteria provided. Collection method: literature only. Allele origin: germline. Affected: yes. Not counted in ClinVar's aggregate classification.

Inherited Neuropathy Consortium
Classification: Uncertain significance for Charcot-Marie-Tooth disease. Review status: no assertion criteria provided. Collection method: literature only. Allele origin: germline. Affected: yes. Not counted in ClinVar's aggregate classification.

Literature cited by the submitters: PubMed 23623387 (cited by Labcorp Genetics (formerly Invitae), Labcorp and Laboratory for Molecular Medicine, Mass General Brigham Personalized Medicine); PubMed 30740813 (cited by Labcorp Genetics (formerly Invitae), Labcorp); PubMed 21705420 (cited by 5 submitters); PubMed 36133075 (cited by Women's Health and Genetics/Laboratory Corporation of America, LabCorp); PubMed 33424531 (cited by Women's Health and Genetics/Laboratory Corporation of America, LabCorp).